The following is an entry in ClinVar:

ClinVar aggregate classification (germline): Uncertain significance (1 of 4 stars; one submission).

Conditions:
Familial adenomatous polyposis 1 (FAP1). Also called: POLYPOSIS, ADENOMATOUS INTESTINAL; FAMILIAL ADENOMATOUS POLYPOSIS 1, ATTENUATED. Identifiers: MedGen C2713442, MONDO:0021056, OMIM 175100. Disease mechanism: loss of function.

Submission:

Labcorp Genetics (formerly Invitae), Labcorp
Classification: Uncertain significance for Familial adenomatous polyposis 1. Last evaluated: 2022-03-13. Review status: criteria provided, single submitter. Criteria: Invitae Variant Classification Sherloc (09022015). Collection method: clinical testing. Allele origin: germline.
Comment: This sequence change replaces cysteine, which is neutral and slightly polar, with tyrosine, which is neutral and polar, at codon 1130 of the APC protein (p.Cys1130Tyr). This variant is not present in population databases (gnomAD no frequency). This variant has not been reported in the literature in individuals affected with APC-related conditions. Algorithms developed to predict the effect of missense changes on protein structure and function are either unavailable or do not agree on the potential impact of this missense change (SIFT: "Tolerated"; PolyPhen-2: "Possibly Damaging"; Align-GVGD: "Class C15"). In summary, the available evidence is currently insufficient to determine the role of this variant in disease. Therefore, it has been classified as a Variant of Uncertain Significance.

NM_000038.6(APC):c.3389G>A (p.Cys1130Tyr)

Gene: APC (APC regulator of Wnt signaling pathway; plus strand). Cytogenetic location: 5q22.2.
Variant type: single nucleotide variant.
Coding change: c.3389G>A on transcript NM_000038.6 (MANE Select); coding-DNA position 3389, G replaced by A.
Protein change: p.Cys1130Tyr; replaces cysteine 1130 with tyrosine.
Molecular consequence: missense variant.
Genome position (GRCh38, 1-based): chr5:112,838,983, G>A. VCF-style: chr5-112838983-G-A. GRCh37 (hg19) VCF-style: chr5-112174680-G-A.
Other names: c.3389G>A, p.Cys1130Tyr (NM_001127510.3, NM_001354895.2, NM_001407450.1); c.3335G>A, p.Cys1112Tyr (NM_001127511.3); c.3443G>A, p.Cys1148Tyr (NM_001354896.2, NM_001407447.1, NM_001407448.1 and 1 more transcripts); c.3419G>A, p.Cys1140Tyr (NM_001354897.2); c.3314G>A, p.Cys1105Tyr (NM_001354898.2); c.3305G>A, p.Cys1102Tyr (NM_001354899.2); c.3266G>A, p.Cys1089Tyr (NM_001354900.2); c.3212G>A, p.Cys1071Tyr (NM_001354901.2, NM_001407453.1); and 11 more; short protein forms C1039Y, C1089Y, C1071Y, C1105Y, C1130Y, C1140Y, C1148Y, C1158Y.
Identifiers: ClinVar variation 2110671 (VCV002110671.4), dbSNP rs2149890928, ClinGen allele CA16028756.